The following is an entry in ClinVar:

ClinVar aggregate classification (germline): Uncertain significance. Review status: criteria provided, multiple submitters, no conflicts (2 of 4 stars). 4 submissions from 4 submitters: Uncertain significance (3). 1 of the submissions does not count toward it. Last evaluated 2025-08-08.

Conditions:
BBS10-related disorder. Also called: BBS10-related condition.
Inborn genetic diseases. Identifiers: MedGen C0950123, MeSH D030342.
Bardet-Biedl syndrome (BBS). Identifiers: Orphanet 110, MedGen C0752166, MONDO:0015229.
Bardet-Biedl syndrome 10 (BBS10). Identifiers: Orphanet 110, MedGen C1859568, MONDO:0014438, OMIM 615987.

Allele frequency attached by ClinVar (database versions not stated): ExAC 0.00001; gnomAD exomes 0.00001; gnomAD 0.00011; 1000 Genomes Project 30x 0.00016; TOPMed 0.00018; 1000 Genomes Project 0.00020.
gnomAD v4.1: 32 of 1,614,146 alleles (0.002%); highest among the groups gnomAD compares: Admixed American, 0.023%; no homozygotes.

Submissions (4):

Ambry Genetics
Classification: Uncertain significance for Inborn genetic diseases. Last evaluated: 2025-08-08. Review status: criteria provided, single submitter. Criteria: Ambry Variant Classification Scheme 2023. Collection method: clinical testing. Allele origin: germline.

Labcorp Genetics (formerly Invitae), Labcorp
Classification: Uncertain significance for Bardet-Biedl syndrome. Last evaluated: 2024-10-08. Review status: criteria provided, single submitter. Criteria: Invitae Variant Classification Sherloc (09022015). Collection method: clinical testing. Allele origin: germline.
Comment: This sequence change replaces threonine, which is neutral and polar, with alanine, which is neutral and non-polar, at codon 508 of the BBS10 protein (p.Thr508Ala). This variant is present in population databases (rs577177579, gnomAD 0.009%). This variant has not been reported in the literature in individuals affected with BBS10-related conditions. ClinVar contains an entry for this variant (Variation ID: 2179489). Invitae Evidence Modeling of protein sequence and biophysical properties (such as structural, functional, and spatial information, amino acid conservation, physicochemical variation, residue mobility, and thermodynamic stability) indicates that this missense variant is not expected to disrupt BBS10 protein function with a negative predictive value of 80%. In summary, the available evidence is currently insufficient to determine the role of this variant in disease. Therefore, it has been classified as a Variant of Uncertain Significance.

Fulgent Genetics
Classification: Uncertain significance for Bardet-Biedl syndrome 10. Last evaluated: 2024-01-05. Review status: criteria provided, single submitter. Criteria: ACMG Guidelines, 2015. Collection method: clinical testing. Allele origin: germline.

PreventionGenetics, part of Exact Sciences
Classification: Uncertain significance for BBS10-related condition. Last evaluated: 2024-08-06. Review status: no assertion criteria provided. Collection method: clinical testing. Allele origin: germline. Not counted in ClinVar's aggregate classification.
Comment: The BBS10 c.1522A>G variant is predicted to result in the amino acid substitution p.Thr508Ala. To our knowledge, this variant has not been reported in the literature. This variant is reported in 0.0085% of alleles in individuals of Latino descent in gnomAD. At this time, the clinical significance of this variant is uncertain due to the absence of conclusive functional and genetic evidence.

NM_024685.4(BBS10):c.1522A>G (p.Thr508Ala)

Gene: BBS10 (Bardet-Biedl syndrome 10; minus strand). Cytogenetic location: 12q21.2.
Variant type: single nucleotide variant.
Coding change: c.1522A>G on transcript NM_024685.4 (MANE Select); coding-DNA position 1522, A replaced by G.
Protein change: p.Thr508Ala; replaces threonine 508 with alanine.
Molecular consequence: missense variant.
Genome position (GRCh38, 1-based): chr12:76,346,463, T>C on the plus strand (A>G on the coding strand, the complement: BBS10 is on the minus strand). VCF-style: chr12-76346463-T-C. GRCh37 (hg19) VCF-style: chr12-76740243-T-C.
Other names: c.1522A>G (NM_024685.3); short protein forms T508A.
Identifiers: ClinVar variation 2179489 (VCV002179489.8), dbSNP rs577177579, ClinGen allele CA6694157.
Genomic context (GRCh38, chr12:76,346,463, plus strand): 5'-AAGACAAACATGTCAGCGTTTCAACTGTTTGGAATGTATCTGTTGGTGTCAGTGTGGGGG[T>C]TGAATACGGAATATATGTTTCTAATTCTACATCTGGAATTACCAAATTAGAATGTACTTT-3'
Protein context (NP_078961.3, residues 498-518): VELETYIPYS[Thr508Ala]PTLTPTDTFQ